The following is an entry in ClinVar:

ClinVar aggregate classification (germline): Pathogenic/Likely pathogenic. Review status: criteria provided, multiple submitters, no conflicts (2 of 4 stars). 5 submissions from 5 submitters: Pathogenic (2); Likely pathogenic (1). 2 of the submissions do not count toward it. Last evaluated 2024-07-25.

Conditions:
GALNS-related disorders.
Mucopolysaccharidosis, MPS-IV-A (MPS4A). Also called: Morquio syndrome A, mild; MORQUIO A DISEASE; MPS IVA; mucopolysaccharidosis type 4A; MORQUIO SYNDROME A; GALACTOSAMINE-6-SULFATASE DEFICIENCY. Identifiers: Orphanet 309297, Orphanet 582, MedGen C0086651, MONDO:0009659, OMIM 253000.

Allele frequency attached by ClinVar (database versions not stated): gnomAD exomes below 0.00001 and 0.00001; ExAC 0.00001; TOPMed 0.00001; gnomAD 0.00002 and 0.00003.
gnomAD v4.1: 8 of 1,613,112 alleles (0.0005%); highest among the groups gnomAD compares: African/African-American, 0.004%; no homozygotes.

Submissions (5):

Labcorp Genetics (formerly Invitae), Labcorp
Classification: Pathogenic for Mucopolysaccharidosis, MPS-IV-A. Last evaluated: 2024-07-25. Review status: criteria provided, single submitter. Criteria: Invitae Variant Classification Sherloc (09022015). Collection method: clinical testing. Allele origin: germline.
Comment: This sequence change replaces aspartic acid, which is acidic and polar, with asparagine, which is neutral and polar, at codon 60 of the GALNS protein (p.Asp60Asn). This variant is present in population databases (rs118204447, gnomAD 0.004%). This missense change has been observed in individuals with mucopolysaccharidosis type IVA (PMID: 9298823, 12721840). It has also been observed to segregate with disease in related individuals. ClinVar contains an entry for this variant (Variation ID: 714). Advanced modeling of protein sequence and biophysical properties (such as structural, functional, and spatial information, amino acid conservation, physicochemical variation, residue mobility, and thermodynamic stability) performed at Invitae indicates that this missense variant is expected to disrupt GALNS protein function with a positive predictive value of 95%. Experimental studies have shown that this missense change affects GALNS function (PMID: 12721840). For these reasons, this variant has been classified as Pathogenic.

Blueprint Genetics
Classification: Pathogenic for GALNS-related disorders. Last evaluated: 2023-06-28. Review status: criteria provided, single submitter. Criteria: ACMG Guidelines, 2015. Collection method: clinical testing. Allele origin: germline. Affected: yes. Observed: 5 variant alleles.

Laboratory of Diagnosis and Therapy of Lysosomal Disorders, University of Padova
Classification: Likely pathogenic for Mucopolysaccharidosis, MPS-IV-A. Last evaluated: 2021-02-01. Review status: criteria provided, single submitter. Criteria: ACMG Guidelines, 2015. Collection method: curation. Allele origin: germline. Affected: yes.
Comment: The prevalence of the variant in affected individuals is significantly increased compared with the prevalence in controls (PS4_strong); very low frequency in gnomAD v2.1.1 (PM2_moderate); multiple lines of computational evidence support a deleterious effect on the gene (PP3_supporting)

OMIM
Classification: Pathogenic for MUCOPOLYSACCHARIDOSIS, TYPE IVA. Last evaluated: 2003-07-01. Review status: no assertion criteria provided. Collection method: literature only. Allele origin: germline. Not counted in ClinVar's aggregate classification.

GeneReviews
No classification provided. Condition: Mucopolysaccharidosis, MPS-IV-A. Review status: no classification provided. Collection method: literature only. Allele origin: germline. Not counted in ClinVar's aggregate classification.

Literature cited by the submitters: PubMed 9298823 (cited by Labcorp Genetics (formerly Invitae), Labcorp and Laboratory of Diagnosis and Therapy of Lysosomal Disorders, University of Padova); PubMed 12721840 (cited by 3 submitters); PubMed 16287098 (cited by Laboratory of Diagnosis and Therapy of Lysosomal Disorders, University of Padova); PubMed 34387910 (cited by Laboratory of Diagnosis and Therapy of Lysosomal Disorders, University of Padova); PubMed 32102177 (cited by GeneReviews); PubMed 23844448 (cited by GeneReviews).

NM_000512.5(GALNS):c.178G>A (p.Asp60Asn)

Gene: GALNS (galactosamine (N-acetyl)-6-sulfatase; minus strand). Cytogenetic location: 16q24.3.
Variant type: single nucleotide variant.
Coding change: c.178G>A on transcript NM_000512.5 (MANE Select); coding-DNA position 178, G replaced by A.
Protein change: p.Asp60Asn; replaces aspartic acid 60 with asparagine.
Molecular consequence: missense variant. On other transcripts: intron variant (1).
Genome position (GRCh38, 1-based): chr16:88,842,772, C>T on the plus strand (G>A on the coding strand, the complement: GALNS is on the minus strand). VCF-style: chr16-88842772-C-T. GRCh37 (hg19) VCF-style: chr16-88909180-C-T.
Other names: c.196G>A, p.Asp66Asn (NM_001323544.2); c.-311-801G>A (NM_001323543.2); short protein forms D60N, D66N.
Identifiers: ClinVar variation 714 (VCV000000714.11), dbSNP rs118204447, ClinGen allele CA251575.
Genomic context (GRCh38, chr16:88,842,772, plus strand): 5'-AGCACAGAGGGTTGGCAGAATAGAAGTTTGGGAAAAGCAGCCCTTCTGCAGCCATCCGGT[C>T]CAAATTCGGGGTCTCTCTGGAGGGCTCTCCATACACCCCGAGGTCACCCCATCCCATCTG-3'
Protein context (NP_000503.1, residues 50-70): GEPSRETPNL[Asp60Asn]RMAAEGLLFP